The following is an entry in ClinVar:

NM_000540.3(RYR1):c.1244+6del

Gene: RYR1 (ryanodine receptor 1; plus strand). Cytogenetic location: 19q13.2.
Variant type: Deletion.
Coding change: c.1244+6del on transcript NM_000540.3 (MANE Select); 6 bases into the intron after coding-DNA position 1244, one base deleted (C; older notation c.1244+6delC).
Molecular consequence: intron variant.
Genome position (GRCh38, 1-based): chr19:38,451,891, C deleted. VCF-style (leftmost placement, unchanged base first): chr19-38451890-GC-G. GRCh37 (hg19) VCF-style: chr19-38942530-GC-G.
Other names: c.1244+6del (NM_001042723.2).
Identifiers: ClinVar variation 3020739 (VCV003020739.4), dbSNP rs762375974, ClinGen allele CA058929.

ClinVar aggregate classification (germline): Uncertain significance. Review status: criteria provided, multiple submitters, no conflicts (2 of 4 stars). 2 submissions from 2 submitters: Uncertain significance (2). Last evaluated 2025-03-16.

Conditions:
Malignant hyperthermia, susceptibility to, 1 (MHS1). Also called: Anesthesia related hyperthermia; Malignant hyperpyrexia; Fulminating hyperpyrexia; Pharmacogenic myopathy; RYR1-Related Malignant Hyperthermia Susceptibility; Malignant hyperthermia suceptibility 1. Identifiers: Orphanet 423, MedGen C2930980, MONDO:0007783, OMIM 145600.
RYR1-related disorder. Also called: RYR1-related disorders; RYR1-related condition. Identifiers: MedGen CN239331.

Allele frequency attached by ClinVar (database versions not stated): gnomAD exomes below 0.00001; TOPMed below 0.00001; ExAC 0.00002.

Submissions (2):

Labcorp Genetics (formerly Invitae), Labcorp
Classification: Uncertain significance for RYR1-related disorder. Last evaluated: 2025-03-16. Review status: criteria provided, single submitter. Criteria: Invitae Variant Classification Sherloc (09022015). Collection method: clinical testing. Allele origin: germline.
Comment: This sequence change falls in intron 12 of the RYR1 gene. It does not directly change the encoded amino acid sequence of the RYR1 protein. It affects a nucleotide within the consensus splice site. This variant is present in population databases (rs762375974, gnomAD 0.003%). This variant has not been reported in the literature in individuals affected with RYR1-related conditions. ClinVar contains an entry for this variant (Variation ID: 3020739). Variants that disrupt the consensus splice site are a relatively common cause of aberrant splicing (PMID: 17576681, 9536098). Algorithms developed to predict the effect of sequence changes on RNA splicing suggest that this variant is not likely to affect RNA splicing. In summary, the available evidence is currently insufficient to determine the role of this variant in disease. Therefore, it has been classified as a Variant of Uncertain Significance.

All of Us Research Program, National Institutes of Health
Classification: Uncertain significance for Malignant hyperthermia, susceptibility to, 1. Last evaluated: 2023-10-02. Review status: criteria provided, single submitter. Criteria: ACMG Guidelines, 2015. Collection method: clinical testing. Allele origin: germline. Inheritance: Autosomal dominant inheritance. Observed: 2 variant alleles, 2 heterozygotes.
Comment: This variant causes the deletion of one nucleotide at the +6 position of intron 12 in the RYR1 gene. To our knowledge, functional studies have not been reported for this variant. This variant has not been reported in individuals affected with RYR1-related disorders in the literature. This variant has been identified in 2/251400 chromosomes in the general population by the Genome Aggregation Database (gnomAD). The available evidence is insufficient to determine the role of this variant in disease conclusively. Therefore, this variant is classified as a Variant of Uncertain Significance.

This study involves interpretation of variants in research participants for the purpose of population health screening. Participant phenotype was not available at the time of variant classification. Additional details can be found in publication PMID: 35346344, PMCID: PMC8962531

Literature cited by the submitters: PubMed 17576681 (cited by Labcorp Genetics (formerly Invitae), Labcorp); PubMed 9536098 (cited by Labcorp Genetics (formerly Invitae), Labcorp).